The following is an entry in ClinVar:

NM_013432.5(TONSL):c.3735+1G>A

Gene: TONSL (tonsoku like, DNA repair protein; minus strand). Cytogenetic location: 8q24.3.
Variant type: single nucleotide variant.
Coding change: c.3735+1G>A on transcript NM_013432.5 (MANE Select); the canonical splice donor site of the intron after coding-DNA position 3735, G replaced by A.
Molecular consequence: splice donor variant.
Genome position (GRCh38, 1-based): chr8:144,432,284, C>T on the plus strand (G>A on the coding strand, the complement: TONSL is on the minus strand). VCF-style: chr8-144432284-C-T. GRCh37 (hg19) VCF-style: chr8-145657667-C-T.
Identifiers: ClinVar variation 2756667 (VCV002756667.3), dbSNP rs1414412355, ClinGen allele CA372640761.

ClinVar aggregate classification (germline): Likely pathogenic (1 of 4 stars; one submission).

Allele frequency attached by ClinVar (database versions not stated): TOPMed 0.00001; gnomAD exomes 0.00001.
gnomAD v4.1: 5 of 1,613,590 alleles (0.00031%); highest among the groups gnomAD compares: Non-Finnish European, 0.00042%; no homozygotes.

Submission:

Labcorp Genetics (formerly Invitae), Labcorp
Classification: Likely pathogenic. Last evaluated: 2025-08-18. Review status: criteria provided, single submitter. Criteria: Invitae Variant Classification Sherloc (09022015). Collection method: clinical testing. Allele origin: germline.
Comment: This sequence change affects a donor splice site in intron 23 of the TONSL gene. It is expected to disrupt RNA splicing. Variants that disrupt the donor or acceptor splice site typically lead to a loss of protein function (PMID: 16199547), and loss-of-function variants in TONSL are known to be pathogenic (PMID: 30773277). This variant is not present in population databases (gnomAD no frequency). This variant has not been reported in the literature in individuals affected with TONSL-related conditions. ClinVar contains an entry for this variant (Variation ID: 2756667). Algorithms developed to predict the effect of sequence changes on RNA splicing suggest that this variant may disrupt the consensus splice site. In summary, the currently available evidence indicates that the variant is pathogenic, but additional data are needed to prove that conclusively. Therefore, this variant has been classified as Likely Pathogenic.

Literature cited by the submitters: PubMed 16199547; PubMed 30773277.